The following is an entry in ClinVar:

NM_000540.3(RYR1):c.858C>T (p.Thr286=)

Gene: RYR1 (ryanodine receptor 1; plus strand). Cytogenetic location: 19q13.2.
Variant type: single nucleotide variant.
Coding change: c.858C>T on transcript NM_000540.3 (MANE Select); coding-DNA position 858, C replaced by T.
Protein change: p.Thr286=; no amino-acid change (threonine 286 retained).
Molecular consequence: synonymous variant.
Genome position (GRCh38, 1-based): chr19:38,448,412, C>T. VCF-style: chr19-38448412-C-T. GRCh37 (hg19) VCF-style: chr19-38939052-C-T.
Other names: c.858C>T, p.Thr286= (NM_001042723.2).
Identifiers: ClinVar variation 2037437 (VCV002037437.10), dbSNP rs371674175, ClinGen allele CA072318.

ClinVar aggregate classification (germline): Likely benign. Review status: criteria provided, multiple submitters, no conflicts (2 of 4 stars). 3 submissions from 3 submitters: Likely benign (3). Last evaluated 2026-01-01.

Conditions:
Malignant hyperthermia, susceptibility to, 1 (MHS1). Also called: Malignant hyperthermia suceptibility 1; Anesthesia related hyperthermia; Malignant hyperpyrexia; Fulminating hyperpyrexia; Pharmacogenic myopathy; RYR1-Related Malignant Hyperthermia Susceptibility. Identifiers: Orphanet 423, MedGen C2930980, MONDO:0007783, OMIM 145600.
RYR1-related disorder. Also called: RYR1-related condition; RYR1-related disorders. Identifiers: MedGen CN239331.

Allele frequency attached by ClinVar (database versions not stated): TOPMed below 0.00001; ExAC 0.00001; gnomAD exomes 0.00002; ESP Exome Variant Server 0.00008.
gnomAD v4.1: 29 of 1,613,124 alleles (0.0018%); highest among the groups gnomAD compares: African/African-American, 0.0027%; no homozygotes.

Submissions (3):

CeGaT Center for Human Genetics Tuebingen
Classification: Likely benign. Last evaluated: 2026-01-01. Review status: criteria provided, single submitter. Criteria: CeGaT Center For Human Genetics Tuebingen Variant Classification Criteria Version 2. Collection method: clinical testing. Allele origin: germline. Affected: yes. Observed: 1 variant allele.
Comment: RYR1: BP4, BP7

Labcorp Genetics (formerly Invitae), Labcorp
Classification: Likely benign for RYR1-related disorder. Last evaluated: 2023-11-17. Review status: criteria provided, single submitter. Criteria: Invitae Variant Classification Sherloc (09022015). Collection method: clinical testing. Allele origin: germline.

Color Diagnostics, LLC DBA Color Health
Classification: Likely benign for Malignant hyperthermia, susceptibility to, 1. Last evaluated: 2022-11-06. Review status: criteria provided, single submitter. Criteria: ACMG Guidelines, 2015. Collection method: clinical testing. Allele origin: germline.